The following is an entry in ClinVar:

ClinVar aggregate classification (germline): Uncertain significance. Review status: criteria provided, multiple submitters, no conflicts (2 of 4 stars). 3 submissions from 3 submitters: Uncertain significance (3). Last evaluated 2024-11-05.

Conditions:
Inborn genetic diseases. Identifiers: MedGen C0950123, MeSH D030342.

Allele frequency attached by ClinVar (database versions not stated): TOPMed 0.00001; gnomAD 0.00002; gnomAD exomes 0.00003; ExAC 0.00006.
gnomAD v4.1: 32 of 1,613,958 alleles (0.002%); highest among the groups gnomAD compares: Admixed American, 0.005%; no homozygotes.

Submissions (3):

Labcorp Genetics (formerly Invitae), Labcorp
Classification: Uncertain significance. Last evaluated: 2024-11-05. Review status: criteria provided, single submitter. Criteria: Invitae Variant Classification Sherloc (09022015). Collection method: clinical testing. Allele origin: germline.
Comment: This sequence change replaces arginine, which is basic and polar, with histidine, which is basic and polar, at codon 308 of the HOXD13 protein (p.Arg308His). This variant is present in population databases (rs770226826, gnomAD 0.007%). This variant has not been reported in the literature in individuals affected with HOXD13-related conditions. ClinVar contains an entry for this variant (Variation ID: 1356625). Invitae Evidence Modeling of protein sequence and biophysical properties (such as structural, functional, and spatial information, amino acid conservation, physicochemical variation, residue mobility, and thermodynamic stability) indicates that this missense variant is not expected to disrupt HOXD13 protein function with a negative predictive value of 80%. In summary, the available evidence is currently insufficient to determine the role of this variant in disease. Therefore, it has been classified as a Variant of Uncertain Significance.

GeneDx
Classification: Uncertain significance. Last evaluated: 2024-06-21. Review status: criteria provided, single submitter. Criteria: GeneDx Variant Classification Process June 2021. Collection method: clinical testing. Allele origin: germline. Affected: yes.
Comment: In silico analysis supports that this missense variant has a deleterious effect on protein structure/function; identified in a patient with ureterovesical junction obstruction (PMID: 36995132); This variant is associated with the following publications: (PMID: 36995132)

Ambry Genetics
Classification: Uncertain significance for Inborn genetic diseases. Last evaluated: 2024-02-05. Review status: criteria provided, single submitter. Criteria: Ambry Variant Classification Scheme 2023. Collection method: clinical testing. Allele origin: germline.

NM_000523.4(HOXD13):c.923G>A (p.Arg308His)

Gene: HOXD13 (homeobox D13; plus strand). Cytogenetic location: 2q31.1.
Variant type: single nucleotide variant.
Coding change: c.923G>A on transcript NM_000523.4 (MANE Select); coding-DNA position 923, G replaced by A.
Protein change: p.Arg308His; replaces arginine 308 with histidine.
Molecular consequence: missense variant.
Genome position (GRCh38, 1-based): chr2:176,094,621, G>A. VCF-style: chr2-176094621-G-A. GRCh37 (hg19) VCF-style: chr2-176959349-G-A.
Other names: c.923G>A (NM_000523.3); short protein forms R308H.
Identifiers: ClinVar variation 1356625 (VCV001356625.10), dbSNP rs770226826, ClinGen allele CA1976707.